The following is an entry in ClinVar:

ClinVar aggregate classification (germline): Uncertain significance (1 of 4 stars; one submission).

Allele frequency attached by ClinVar (database versions not stated): TOPMed below 0.00001; ExAC 0.00001.
gnomAD v4.1: 2 of 1,609,792 alleles (0.00012%); highest among the groups gnomAD compares: South Asian, 0.0011%; no homozygotes.

Submission:

Ambry Genetics
Classification: Uncertain significance. Last evaluated: 2021-07-23. Review status: criteria provided, single submitter. Criteria: Ambry Variant Classification Scheme 2023. Collection method: clinical testing. Allele origin: germline.
Comment: The p.E42Q variant (also known as c.124G>C), located in coding exon 2 of the ALPK2 gene, results from a G to C substitution at nucleotide position 124. The glutamic acid at codon 42 is replaced by glutamine, an amino acid with highly similar properties. This amino acid position is conserved. In addition, this alteration is predicted to be tolerated by in silico analysis. Since supporting evidence is limited at this time, the clinical significance of this alteration remains unclear.

NM_052947.4(ALPK2):c.124G>C (p.Glu42Gln)

Gene: ALPK2 (alpha kinase 2; minus strand). Cytogenetic location: 18q21.32.
Variant type: single nucleotide variant.
Coding change: c.124G>C on transcript NM_052947.4 (MANE Select); coding-DNA position 124, G replaced by C.
Protein change: p.Glu42Gln; replaces glutamic acid 42 with glutamine.
Molecular consequence: missense variant.
Genome position (GRCh38, 1-based): chr18:58,607,425, C>G on the plus strand (G>C on the coding strand, the complement: ALPK2 is on the minus strand). VCF-style: chr18-58607425-C-G. GRCh37 (hg19) VCF-style: chr18-56274657-C-G.
Other names: short protein forms E42Q.
Identifiers: ClinVar variation 1760419 (VCV001760419.2), dbSNP rs775186549, ClinGen allele CA8977525.